The following is an entry in ClinVar:

ClinVar aggregate classification (germline): Conflicting classifications of pathogenicity. Review status: criteria provided, conflicting classifications (1 of 4 stars). 2 submissions from 2 submitters: Uncertain significance (1); Likely benign (1). Last evaluated 2022-10-13.

Allele frequency attached by ClinVar (database versions not stated): TOPMed 0.00003; ExAC 0.00001; gnomAD exomes 0.00001; gnomAD 0.00002.
gnomAD v4.1: 35 of 1,614,002 alleles (0.0022%); highest among the groups gnomAD compares: East Asian, 0.0045%; no homozygotes.

Submissions (2):

Labcorp Genetics (formerly Invitae), Labcorp
Classification: Uncertain significance. Last evaluated: 2022-10-13. Review status: criteria provided, single submitter. Criteria: Invitae Variant Classification Sherloc (09022015). Collection method: clinical testing. Allele origin: germline.
Comment: This sequence change replaces proline, which is neutral and non-polar, with leucine, which is neutral and non-polar, at codon 1203 of the PCARE protein (p.Pro1203Leu). This variant is present in population databases (rs757774860, gnomAD 0.004%). This variant has not been reported in the literature in individuals affected with PCARE-related conditions. ClinVar contains an entry for this variant (Variation ID: 960810). Algorithms developed to predict the effect of missense changes on protein structure and function output the following: SIFT: "Tolerated"; PolyPhen-2: "Benign"; Align-GVGD: "Class C0". The leucine amino acid residue is found in multiple mammalian species, which suggests that this missense change does not adversely affect protein function. In summary, the available evidence is currently insufficient to determine the role of this variant in disease. Therefore, it has been classified as a Variant of Uncertain Significance.

Blueprint Genetics
Classification: Likely benign. Last evaluated: 2019-08-27. Review status: criteria provided, single submitter. Criteria: ACMG Guidelines, 2015. Collection method: clinical testing. Allele origin: germline.

NM_001029883.3(PCARE):c.3608C>T (p.Pro1203Leu)

Gene: PCARE (photoreceptor cilium actin regulator; minus strand). Cytogenetic location: 2p23.2.
Variant type: single nucleotide variant.
Coding change: c.3608C>T on transcript NM_001029883.3 (MANE Select); coding-DNA position 3608, C replaced by T.
Protein change: p.Pro1203Leu; replaces proline 1203 with leucine.
Molecular consequence: missense variant.
Genome position (GRCh38, 1-based): chr2:29,070,654, G>A on the plus strand (C>T on the coding strand, the complement: PCARE is on the minus strand). VCF-style: chr2-29070654-G-A. GRCh37 (hg19) VCF-style: chr2-29293520-G-A.
Other names: short protein forms P1203L.
Identifiers: ClinVar variation 960810 (VCV000960810.6), dbSNP rs757774860, ClinGen allele CA1591884.